The following is an entry in ClinVar:

ClinVar aggregate classification (germline): Uncertain significance (1 of 4 stars; one submission).

Submission:

Labcorp Genetics (formerly Invitae), Labcorp
Classification: Uncertain significance. Last evaluated: 2025-05-03. Review status: criteria provided, single submitter. Criteria: Invitae Variant Classification Sherloc (09022015). Collection method: clinical testing. Allele origin: germline.
Comment: This sequence change replaces leucine, which is neutral and non-polar, with arginine, which is basic and polar, at codon 1496 of the MYH3 protein (p.Leu1496Arg). This variant is not present in population databases (gnomAD no frequency). This variant has not been reported in the literature in individuals affected with MYH3-related conditions. Invitae Evidence Modeling of protein sequence and biophysical properties (such as structural, functional, and spatial information, amino acid conservation, physicochemical variation, residue mobility, and thermodynamic stability) indicates that this missense variant is not expected to disrupt MYH3 protein function with a negative predictive value of 95%. In summary, the available evidence is currently insufficient to determine the role of this variant in disease. Therefore, it has been classified as a Variant of Uncertain Significance.

NM_002470.4(MYH3):c.4487T>G (p.Leu1496Arg)

Gene: MYH3 (myosin heavy chain 3; minus strand). Cytogenetic location: 17p13.1.
Variant type: single nucleotide variant.
Coding change: c.4487T>G on transcript NM_002470.4 (MANE Select); coding-DNA position 4487, T replaced by G.
Protein change: p.Leu1496Arg; replaces leucine 1496 with arginine.
Molecular consequence: missense variant.
Genome position (GRCh38, 1-based): chr17:10,634,052, A>C on the plus strand (T>G on the coding strand, the complement: MYH3 is on the minus strand). VCF-style: chr17-10634052-A-C. GRCh37 (hg19) VCF-style: chr17-10537369-A-C.
Other names: short protein forms L1496R.
Identifiers: ClinVar variation 4745393 (VCV004745393.1).